The following is an entry in ClinVar:

NM_002473.6(MYH9):c.1108+9C>T

Gene: MYH9 (myosin heavy chain 9; minus strand). Cytogenetic location: 22q12.3.
Variant type: single nucleotide variant.
Coding change: c.1108+9C>T on transcript NM_002473.6 (MANE Select); 9 bases into the intron after coding-DNA position 1108, C replaced by T.
Molecular consequence: intron variant.
Genome position (GRCh38, 1-based): chr22:36,319,531, G>A on the plus strand (C>T on the coding strand, the complement: MYH9 is on the minus strand). VCF-style: chr22-36319531-G-A. GRCh37 (hg19) VCF-style: chr22-36715576-G-A.
Other names: p.?.
Identifiers: ClinVar variation 44549 (VCV000044549.28), dbSNP rs145751072, ClinGen allele CA134511.
Genomic context (GRCh38, chr22:36,319,531, plus strand): 5'-TTCCCTCCTGAGCAAATCCATGGCCAAGCACCTGCCCCATTATTTCCAGCGAGAGGCCCC[G>A]GGTGTTACCTGTGTTGTCGGGCATGGACGCCTGGTCAGTGTTCCGCTCCTTCTTGAAGAC-3'

ClinVar aggregate classification (germline): Benign/Likely benign. Review status: criteria provided, multiple submitters, no conflicts (2 of 4 stars). 14 submissions from 13 submitters: Benign (11); Likely benign (1). 2 of the submissions do not count toward it. Last evaluated 2026-02-01.

Conditions:
MYH9-related disorder. Identifiers: MedGen C1854520.
Macrothrombocytopenia and granulocyte inclusions with or without nephritis or sensorineural hearing loss (MATINS). Also called: MAY-HEGGLIN ANOMALY; DOHLE LEUKOCYTE INCLUSIONS WITH GIANT PLATELETS; MACROTHROMBOCYTOPENIA WITH LEUKOCYTE INCLUSIONS; MYH9-Related Disease (MYH9-RD); SEBASTIAN PLATELET SYNDROME; MACROTHROMBOCYTOPENIA WITH DISPERSED LEUKOCYTIC INCLUSIONS. Identifiers: Orphanet 182050, MedGen C5200934, MONDO:0015912, OMIM 155100.
Autosomal dominant nonsyndromic hearing loss 17. Also called: Deafness, autosomal dominant 17; Autosomal dominant nonsyndromic deafness 17. Identifiers: Orphanet 90635, MedGen C1863659, MONDO:0011350, OMIM 603622.
Atypical hemolytic-uremic syndrome. Identifiers: Orphanet 2134, MedGen C2931788, MONDO:0016244.

Allele frequency attached by ClinVar (database versions not stated): 1000 Genomes Project 0.00359; 1000 Genomes Project 30x 0.00359; ESP Exome Variant Server 0.00538; TOPMed 0.00597; ExAC 0.00864; gnomAD 0.00929 and 0.00959; gnomAD exomes 0.00943.
gnomAD v4.1: 15,614 of 1,613,748 alleles (0.97%); highest among the groups gnomAD compares: Non-Finnish European, 0.99%; 124 homozygotes.

Submissions (14):

Labcorp Genetics (formerly Invitae), Labcorp
Classification: Benign. Last evaluated: 2026-02-01. Review status: criteria provided, single submitter. Criteria: Invitae Variant Classification Sherloc (09022015). Collection method: clinical testing. Allele origin: germline.

Mayo Clinic Laboratories, Mayo Clinic
Classification: Benign. Last evaluated: 2025-09-29. Review status: criteria provided, single submitter. Criteria: ACMG Guidelines, 2015. Collection method: clinical testing. Allele origin: germline. Observed: 8 variant alleles.
Comment: BA1, BS2, BP4, BP7

Blueprint Genetics
Classification: Benign. Last evaluated: 2024-11-28. Review status: criteria provided, single submitter. Criteria: ACMG Guidelines, 2015. Collection method: clinical testing. Allele origin: germline.

ARUP Laboratories, Molecular Genetics and Genomics, ARUP Laboratories
Classification: Benign. Last evaluated: 2023-11-29. Review status: criteria provided, single submitter. Criteria: ARUP Molecular Germline Variant Investigation Process 2024. Collection method: clinical testing. Allele origin: germline.

Fulgent Genetics
Classification: Likely benign for Macrothrombocytopenia and granulocyte inclusions with or without nephritis or sensorineural hearing loss; Autosomal dominant nonsyndromic hearing loss 17. Last evaluated: 2021-10-05. Review status: criteria provided, single submitter. Criteria: ACMG Guidelines, 2015. Collection method: clinical testing. Allele origin: unknown.

Genome Diagnostics Laboratory, The Hospital for Sick Children
Classification: Benign for Atypical hemolytic-uremic syndrome. Last evaluated: 2021-02-05. Review status: criteria provided, single submitter. Criteria: ACMG Guidelines, 2015. Collection method: clinical testing. Allele origin: germline.

GeneDx
Classification: Benign. Last evaluated: 2018-04-13. Review status: criteria provided, single submitter. Criteria: GeneDx Variant Classification (06012015). Collection method: clinical testing. Allele origin: germline. Affected: yes.
Comment: This variant is considered likely benign or benign based on one or more of the following criteria: it is a conservative change, it occurs at a poorly conserved position in the protein, it is predicted to be benign by multiple in silico algorithms, and/or has population frequency not consistent with disease.

Illumina Laboratory Services, Illumina
Classification: Benign for MYH9-related disorder. Last evaluated: 2018-01-13. Review status: criteria provided, single submitter. Criteria: ICSL Variant Classification Criteria 13 December 2019. Collection method: clinical testing. Allele origin: germline.
Comment: This variant was observed in the ICSL laboratory as part of a predisposition screen in an ostensibly healthy population. It had not been previously curated by ICSL or reported in the Human Gene Mutation Database (HGMD: prior to June 1st, 2018), and was therefore a candidate for classification through an automated scoring system. Utilizing variant allele frequency, disease prevalence and penetrance estimates, and inheritance mode, an automated score was calculated to assess if this variant is too frequent to cause the disease. Based on the score and internal cut-off values, a variant classified as benign is not then subjected to further curation. The score for this variant resulted in a classification of benign for this disease.

Illumina Laboratory Services, Illumina
Classification: Benign for Autosomal dominant nonsyndromic hearing loss 17. Last evaluated: 2018-01-13. Review status: criteria provided, single submitter. Criteria: ICSL Variant Classification Criteria 13 December 2019. Collection method: clinical testing. Allele origin: germline.
Comment: the same text as in the submission from Illumina Laboratory Services, Illumina above.

Laboratory for Molecular Medicine, Mass General Brigham Personalized Medicine
Classification: Benign. Last evaluated: 2012-05-07. Review status: criteria provided, single submitter. Criteria: LMM Criteria. Collection method: clinical testing. Allele origin: germline. Observed: 29 variant alleles.
Comment: 1108+9C>T in Intron 10 of MYH9: This variant is not expected to have clinical si gnificance because it is not located within the conserved splice consensus seque nce and has been identified in 0.7% (51/7020) of European American chromosomes f rom a broad population by the NHLBI Exome Sequencing Project (dbSNP rs145751072).

Breakthrough Genomics
Classification: Benign. Review status: criteria provided, single submitter. Criteria: ACMG Guidelines, 2015. Collection method: not provided. Allele origin: germline. Inheritance: Autosomal dominant inheritance. Affected: yes.

PreventionGenetics, part of Exact Sciences
Classification: Benign. Review status: criteria provided, single submitter. Criteria: ACMG Guidelines, 2015. Collection method: clinical testing. Allele origin: germline.

Clinical Genetics DNA and cytogenetics Diagnostics Lab, Erasmus MC, Erasmus Medical Center
Classification: Benign. Review status: no assertion criteria provided. Collection method: clinical testing. Allele origin: germline. Affected: yes. Study: VKGL Data-share Consensus. Not counted in ClinVar's aggregate classification.

Genome Diagnostics Laboratory, University Medical Center Utrecht
Classification: Benign. Review status: no assertion criteria provided. Collection method: clinical testing. Allele origin: germline. Affected: yes. Study: VKGL Data-share Consensus. Not counted in ClinVar's aggregate classification.